The following is an entry in ClinVar:

ClinVar aggregate classification (germline): Likely benign. Review status: criteria provided, single submitter (1 of 4 stars). 2 submissions from 2 submitters: Likely benign (1). 1 of the submissions does not count toward it. Last evaluated 2026-04-01.

Conditions:
MED13-related disorder. Also called: MED13-related condition.

Allele frequency attached by ClinVar (database versions not stated): 1000 Genomes Project 0.00120; 1000 Genomes Project 30x 0.00125; gnomAD exomes 0.00183; TOPMed 0.00090; ESP Exome Variant Server 0.00093; gnomAD 0.00097; ExAC 0.00113.

Submissions (3):

CeGaT Center for Human Genetics Tuebingen
Classification: Likely benign. Last evaluated: 2026-04-01. Review status: criteria provided, single submitter. Criteria: CeGaT Center For Human Genetics Tuebingen Variant Classification Criteria Version 2. Collection method: clinical testing. Allele origin: germline. Affected: yes. Observed: 10 variant alleles.
Comment: MED13: BP4, BS1

PreventionGenetics, part of Exact Sciences
Classification: Likely benign for MED13-related condition. Last evaluated: 2022-03-14. Review status: no assertion criteria provided. Collection method: clinical testing. Allele origin: germline. Not counted in ClinVar's aggregate classification.
Comment: This variant is classified as likely benign based on ACMG/AMP sequence variant interpretation guidelines (Richards et al. 2015 PMID: 25741868, with internal and published modifications).

Dr. Peter K. Rogan Lab, Western University
No classification provided (evidence only). Condition: Sarcoma. Review status: no classification provided. Collection method: in vitro. Allele origin: not applicable. Functional consequence: retained intron. Not counted in ClinVar's aggregate classification.

NM_005121.3(MED13):c.2186A>G (p.Glu729Gly)

Gene: MED13 (mediator complex subunit 13; minus strand). Cytogenetic location: 17q23.2.
Variant type: single nucleotide variant.
Coding change: c.2186A>G on transcript NM_005121.3 (MANE Select); coding-DNA position 2186, A replaced by G.
Protein change: p.Glu729Gly; replaces glutamic acid 729 with glycine.
Molecular consequence: missense variant.
Genome position (GRCh38, 1-based): chr17:61,992,617, T>C on the plus strand (A>G on the coding strand, the complement: MED13 is on the minus strand). VCF-style: chr17-61992617-T-C. GRCh37 (hg19) VCF-style: chr17-60069978-T-C.
Other names: NC_000017.10:g.60069978T>C; c.2186A>G (NM_005121.2); short protein forms E729G.
Identifiers: ClinVar variation 2648012 (VCV002648012.26), dbSNP rs78309726, ClinGen allele CA8692887.